The following is an entry in ClinVar:

ClinVar aggregate classification (germline): Pathogenic (1 of 4 stars; one submission).

Conditions:
Glycogen storage disease, type II (IOPD). Also called: Pompe Disease; CARDIOMEGALIA GLYCOGENICA DIFFUSA; GLYCOGENOSIS, GENERALIZED, CARDIAC FORM; GSD II; POMPE DISEASE, INFANTILE-ONSET; GLYCOGEN STORAGE DISEASE II, INFANTILE-ONSET. Identifiers: Orphanet 365, MedGen C0017921, MONDO:0009290, OMIM 232300.

Submission:

Genomenon, Inc
Classification: Pathogenic for Glycogen storage disease, type II. Last evaluated: 2026-07-01. Review status: criteria provided, single submitter. Criteria: Genomenon Sequence Variant Interpretation Standards - Updated. Collection method: curation. Allele origin: germline. Affected: yes.
Comment: GAA p.Ser736Ter (c.2205dup) is a nonsense variant that introduces a premature stop codon at amino acid position 736 and is predicted to result in a truncated or absent protein product. This variant has been observed in at least one proband with a GAA-related disorder (PMID:22676651). It is absent or not present at a significant frequency in gnomAD. In conclusion, we classify GAA p.Ser736Ter (c.2205dup) as a pathogenic variant.

Literature cited by the submitters: PubMed 22676651.

NM_000152.5(GAA):c.2205dup (p.Ser736Ter)

Gene: GAA (alpha glucosidase; plus strand). Cytogenetic location: 17q25.3.
Variant type: Duplication.
Coding change: c.2205dup on transcript NM_000152.5 (MANE Select); coding-DNA position 2205, one base duplicated (T; older notation c.2205dupT).
Protein change: p.Ser736Ter; replaces serine 736 with a stop codon.
Molecular consequence: nonsense.
Genome position (GRCh38, 1-based): chr17:80,116,983, T duplicated. VCF-style (leftmost placement, unchanged base first): chr17-80116982-C-CT. GRCh37 (hg19) VCF-style: chr17-78090781-C-CT.
Other names: c.2205dup, p.Ser736Ter (NM_001079803.3, NM_001079804.3, NM_001406741.1 and 1 more transcripts); short protein forms S736*.
Identifiers: ClinVar variation 4876263 (VCV004876263.1).